The following is an entry in ClinVar:

ClinVar aggregate classification (germline): Uncertain significance (1 of 4 stars; one submission).

Conditions:
Hereditary diffuse gastric adenocarcinoma (HDGC). Also called: DIFFUSE GASTRIC AND LOBULAR BREAST CANCER SYNDROME. Identifiers: Orphanet 26106, MedGen C1708349, MONDO:0007648, OMIM 137215.

Submission:

Labcorp Genetics (formerly Invitae), Labcorp
Classification: Uncertain significance for Hereditary diffuse gastric adenocarcinoma. Last evaluated: 2019-08-29. Review status: criteria provided, single submitter. Criteria: Invitae Variant Classification Sherloc (09022015). Collection method: clinical testing. Allele origin: germline.
Comment: This sequence change falls in intron 5 of the CDH1 gene. It does not directly change the encoded amino acid sequence of the CDH1 protein. This variant is not present in population databases (ExAC no frequency). This variant has not been reported in the literature in individuals with CDH1-related conditions. Algorithms developed to predict the effect of sequence changes on RNA splicing suggest that this variant may disrupt the consensus splice site, but this prediction has not been confirmed by published transcriptional studies. In summary, the available evidence is currently insufficient to determine the role of this variant in disease. Therefore, it has been classified as a Variant of Uncertain Significance.

NM_004360.5(CDH1):c.688-14_688-6del

Gene: CDH1 (cadherin 1; plus strand). Cytogenetic location: 16q22.1.
Variant type: Deletion.
Coding change: c.688-14_688-6del on transcript NM_004360.5 (MANE Select); 14 bases into the intron before coding-DNA position 688 through 6 bases into the intron before coding-DNA position 688, 9 bases deleted (CTTGGTTCT; older notation c.688-14_688-6delCTTGGTTCT).
Molecular consequence: intron variant.
Genome position (GRCh38, 1-based): chr16:68,810,183-68,810,191, CTTGGTTCT deleted. VCF-style (leftmost placement, unchanged base first): chr16-68810182-ACTTGGTTCT-A. GRCh37 (hg19) VCF-style: chr16-68844085-ACTTGGTTCT-A.
Other names: c.-928-14_-928-6del (NM_001317185.2); c.-1132-14_-1132-6del (NM_001317186.2); c.688-14_688-6del (NM_001317184.2).
Identifiers: ClinVar variation 942232 (VCV000942232.10), dbSNP rs1960778872, ClinGen allele CA1139664753.